The following is an entry in ClinVar:

NM_003931.3(WASF1):c.1523-2A>G

Gene: WASF1 (WASP family member 1; minus strand). Cytogenetic location: 6q21.
Variant type: single nucleotide variant.
Coding change: c.1523-2A>G on transcript NM_003931.3 (MANE Select); the canonical splice acceptor site of the intron before coding-DNA position 1523, A replaced by G.
Molecular consequence: splice acceptor variant.
Genome position (GRCh38, 1-based): chr6:110,100,681, T>C on the plus strand (A>G on the coding strand, the complement: WASF1 is on the minus strand). VCF-style: chr6-110100681-T-C. GRCh37 (hg19) VCF-style: chr6-110421884-T-C.
Other names: c.1523-2A>G (NM_001024936.2, NM_001024935.2, NM_001024934.2).
Identifiers: ClinVar variation 5017784 (VCV005017784.1).
Genomic context (GRCh38, chr6:110,100,681, plus strand): 5'-AATGCGTTCATGCTTAGCTTCCTGTTCACGCTGCTCTTCTACTTTGCGTAGCTGAATACC[T>C]GATACAGTGAATCCAAACCATTCATTTAAATCAAAATACTAGATACTAGATATTATTAAT-3'

ClinVar aggregate classification (germline): Uncertain significance (1 of 4 stars; one submission).

Submission:

GeneDx
Classification: Uncertain significance. Last evaluated: 2026-03-28. Review status: criteria provided, single submitter. Criteria: GeneDx Variant Classification Process June 2021. Collection method: clinical testing. Allele origin: germline.
Comment: Not observed at significant frequency in large population cohorts (gnomAD); Has not been previously published as pathogenic or benign to our knowledge; Canonical splice site variant in a gene for which loss of function is not an established mechanism of disease